The following is an entry in ClinVar:

ClinVar aggregate classification (germline): Conflicting classifications of pathogenicity. Review status: criteria provided, conflicting classifications (1 of 4 stars). 4 submissions from 4 submitters: Uncertain significance (1); Likely benign (2). 1 of the submissions does not count toward it. Last evaluated 2026-04-13.

Conditions:
Usher syndrome type 2A. Also called: RETINAL DISEASE IN USHER SYNDROME TYPE IIA, MODIFIER OF; USHER SYNDROME, TYPE IIA. Identifiers: Orphanet 231178, Orphanet 886, MedGen C1848634, MONDO:0010169, OMIM 276901.
USH2A-related disorder. Also called: USH2A-related disorders; USH2A-related condition. Identifiers: MedGen CN239332.

Allele frequency attached by ClinVar (database versions not stated): gnomAD exomes 0.00001 and 0.00004; ExAC 0.00004; ESP Exome Variant Server 0.00015; gnomAD 0.00015; TOPMed 0.00019.
gnomAD v4.1: 43 of 1,612,336 alleles (0.0027%); highest among the groups gnomAD compares: African/African-American, 0.043%; no homozygotes.

Submissions (4):

PreventionGenetics, part of Exact Sciences
Classification: Likely benign for USH2A-related condition. Last evaluated: 2026-04-13. Review status: criteria provided, single submitter. Criteria: ACMG Guidelines, 2015. Collection method: clinical testing. Allele origin: germline.
Comment: This variant is classified as likely benign based on ACMG/AMP sequence variant interpretation guidelines (Richards et al. 2015 PMID: 25741868, with internal and published modifications).

Labcorp Genetics (formerly Invitae), Labcorp
Classification: Likely benign. Last evaluated: 2025-12-20. Review status: criteria provided, single submitter. Criteria: Invitae Variant Classification Sherloc (09022015). Collection method: clinical testing. Allele origin: germline.

GeneDx
Classification: Uncertain significance. Last evaluated: 2023-05-05. Review status: criteria provided, single submitter. Criteria: GeneDx Variant Classification Process June 2021. Collection method: clinical testing. Allele origin: germline. Affected: yes.
Comment: In silico analysis supports that this variant does not alter splicing; Has not been previously published as pathogenic or benign to our knowledge

Natera, Inc.
Classification: Uncertain significance for Usher syndrome type 2A. Last evaluated: 2020-01-24. Review status: no assertion criteria provided. Collection method: clinical testing. Allele origin: germline. Not counted in ClinVar's aggregate classification.

NM_206933.4(USH2A):c.5299-10T>C

Genes: USH2A (usherin; minus strand), USH2A-AS2 (USH2A antisense RNA 2; plus strand). Cytogenetic location: 1q41.
Variant type: single nucleotide variant.
Coding change: c.5299-10T>C on transcript NM_206933.4 (MANE Select); 10 bases into the intron before coding-DNA position 5299, T replaced by C.
Molecular consequence: intron variant.
Genome position (GRCh38, 1-based): chr1:216,078,372, A>G on the plus strand (T>C on the coding strand, the complement: USH2A is on the minus strand). VCF-style: chr1-216078372-A-G. GRCh37 (hg19) VCF-style: chr1-216251714-A-G.
Other names: c.5299-10T>C (NM_206933.2).
Identifiers: ClinVar variation 1054816 (VCV001054816.8), dbSNP rs375279569, ClinGen allele CA1395475.